The following is an entry in ClinVar:

ClinVar aggregate classification (germline): Pathogenic (1 of 4 stars; one submission).

Conditions:
Hereditary factor VIII deficiency disease (HEMA). Also called: HEMOPHILIA, CLASSIC; Hemophilia A, congenital; HEM A; Factor 8 deficiency, congenital; AUTOSOMAL HEMOPHILIA A; Hemophilia A. Identifiers: Orphanet 98878, MedGen C0019069, MONDO:0010602, OMIM 306700.

Submission:

Human Genetic Diversity Lab, University of the Republic of Uruguay
Classification: Pathogenic for Hereditary factor VIII deficiency disease. Last evaluated: 2026-02-02. Review status: criteria provided, single submitter. Criteria: ACMG Guidelines, 2015. Collection method: research. Allele origin: germline. Inheritance: X-linked inheritance. Affected: yes. Observed: 1 hemizygote.
Comment: The Leu1230Alafs*10 variant in F8 has not been reported in public databases and is absent from large population databases; it was neither found in ExAC nor in 1000G. The variant is a frameshift that introduces a stop codon in exon 14 of the coagulation factor VIII gene; In summary, the variant meets our criteria for classification as pathogenic based on segregation studies, absence from controls, and functional effects.

Literature cited by the submitters: DOI 10.1002/humu.24025; DOI 10.1038/s41586-020-2308-7; DOI 10.1056/NEJMsr1406261.

NM_000132.4(F8):c.3688_3689del (p.Leu1230fs)

Gene: F8 (coagulation factor VIII; minus strand). Cytogenetic location: Xq28.
Variant type: Deletion.
Coding change: c.3688_3689del on transcript NM_000132.4 (MANE Select); coding-DNA positions 3688 to 3689, 2 bases deleted (TT; older notation c.3688_3689delTT).
Protein change: p.Leu1230fs; shifts the reading frame from leucine 1230.
Molecular consequence: frameshift variant.
Genome position (GRCh38, 1-based): chrX:154,930,101-154,930,102, AA deleted on the plus strand (TT on the coding strand, the reverse complement: F8 is on the minus strand); deleting any 2 consecutive bases within chrX:154,930,101-154,930,104 gives the same sequence; the c. name uses the placement nearest the transcript's 3' end. VCF-style (leftmost placement, unchanged base first): chrX-154930100-CAA-C. GRCh37 (hg19) VCF-style: chrX-154158375-CAA-C.
Other names: c.3686_3687delTT (NM_000132.4); short protein forms L1230fs.
Identifiers: ClinVar variation 4756110 (VCV004756110.1).